The following is an entry in ClinVar:

NM_012144.4(DNAI1):c.1942G>T (p.Asp648Tyr)

Gene: DNAI1 (dynein axonemal intermediate chain 1; plus strand). Cytogenetic location: 9p13.3.
Variant type: single nucleotide variant.
Coding change: c.1942G>T on transcript NM_012144.4 (MANE Select); coding-DNA position 1942, G replaced by T.
Protein change: p.Asp648Tyr; replaces aspartic acid 648 with tyrosine.
Molecular consequence: missense variant.
Genome position (GRCh38, 1-based): chr9:34,517,408, G>T. VCF-style: chr9-34517408-G-T. GRCh37 (hg19) VCF-style: chr9-34517406-G-T.
Other names: c.1954G>T, p.Asp652Tyr (NM_001281428.2); short protein forms D648Y, D652Y.
Identifiers: ClinVar variation 4751942 (VCV004751942.1).

ClinVar aggregate classification (germline): Uncertain significance (1 of 4 stars; one submission).

Conditions:
Primary ciliary dyskinesia. Also called: Ciliary dyskinesia. Identifiers: Orphanet 244, MedGen C0008780, MONDO:0016575, HP:0012265.

Submission:

Labcorp Genetics (formerly Invitae), Labcorp
Classification: Uncertain significance for Primary ciliary dyskinesia. Last evaluated: 2025-08-15. Review status: criteria provided, single submitter. Criteria: Invitae Variant Classification Sherloc (09022015). Collection method: clinical testing. Allele origin: germline.
Comment: This sequence change replaces aspartic acid, which is acidic and polar, with tyrosine, which is neutral and polar, at codon 648 of the DNAI1 protein (p.Asp648Tyr). This variant is not present in population databases (gnomAD no frequency). This variant has not been reported in the literature in individuals affected with DNAI1-related conditions. Invitae Evidence Modeling of protein sequence and biophysical properties (such as structural, functional, and spatial information, amino acid conservation, physicochemical variation, residue mobility, and thermodynamic stability) indicates that this missense variant is expected to disrupt DNAI1 protein function with a positive predictive value of 80%. In summary, the available evidence is currently insufficient to determine the role of this variant in disease. Therefore, it has been classified as a Variant of Uncertain Significance.